The following is an entry in ClinVar:

NM_000176.3(NR3C1):c.2009T>C (p.Leu670Pro)

Gene: NR3C1 (nuclear receptor subfamily 3 group C member 1; minus strand). Cytogenetic location: 5q31.3.
Variant type: single nucleotide variant.
Coding change: c.2009T>C on transcript NM_000176.3 (MANE Select); coding-DNA position 2009, T replaced by C.
Protein change: p.Leu670Pro; replaces leucine 670 with proline.
Molecular consequence: missense variant. On other transcripts: non-coding transcript variant (1).
Genome position (GRCh38, 1-based): chr5:143,295,474, A>G on the plus strand (T>C on the coding strand, the complement: NR3C1 is on the minus strand). VCF-style: chr5-143295474-A-G. GRCh37 (hg19) VCF-style: chr5-142675039-A-G.
Other names: p.Leu670Pro; c.2009T>C, p.Leu670Pro (NM_001018074.1, NM_001018075.1, NM_001018076.2 and 6 more transcripts); c.2012T>C, p.Leu671Pro (NM_001024094.2, NM_001364183.2, NM_001364184.2 and 1 more transcripts); c.1931T>C, p.Leu644Pro (NM_001204258.2); c.1754T>C, p.Leu585Pro (NM_001204259.2); c.1742T>C, p.Leu581Pro (NM_001204260.2); c.1718T>C, p.Leu573Pro (NM_001204261.2); c.1064T>C, p.Leu355Pro (NM_001204262.2); and 2 more; short protein forms L335P, L340P, L355P, L573P, L581P, L585P, L644P, L670P.
Identifiers: ClinVar variation 3893191 (VCV003893191.2).

ClinVar aggregate classification (germline): Likely pathogenic (1 of 4 stars; one submission).

Conditions:
Deficiency of galactokinase. Also called: Galactokinase deficiency with cataracts; GALACTOSEMIA II. Identifiers: Orphanet 352, Orphanet 79237, MedGen C0268155, MONDO:0009255, OMIM 230200.

Submission:

Division of Diabetes and Endocrinology, Kobe University Graduate School of Medicine
Classification: Likely pathogenic for Deficiency of galactokinase. Last evaluated: 2025-01-21. Review status: criteria provided, single submitter. Criteria: ACMG Guidelines, 2015. Collection method: clinical testing, in vitro. Allele origin: germline, not applicable. Affected: yes. Observed: 1 heterozygote. Functional consequence: loss_of_function_variant.
Comment: Functional assays using a Pomc-luciferase reporter system demonstrated that dexamethasone suppressed Pomc promoter activity in cells expressing wild-type GR, whereas this suppression was markedly impaired in cells expressing the mutant GR (p.Leu670Pro), indicating a loss of GR function (PS3). The affected residue is highly conserved, and multiple in silico prediction tools support a deleterious effect (PP3). This variant is absent from population databases (PM2). Segregation data are not available for this variant. Based on the ACMG/AMP 2015 guidelines, this variant is classified as likely pathogenic (PS3, PM2, PP3).